The following is an entry in ClinVar:

ClinVar aggregate classification (germline): Likely pathogenic (1 of 4 stars; one submission).

Submission:

Labcorp Genetics (formerly Invitae), Labcorp
Classification: Likely pathogenic. Last evaluated: 2023-07-25. Review status: criteria provided, single submitter. Criteria: Invitae Variant Classification Sherloc (09022015). Collection method: clinical testing. Allele origin: unknown.
Comment: This variant results in the deletion of part of exon 6 (c.610+2991_680del) of the LOXHD1 gene. It is expected to disrupt RNA splicing. Variants that disrupt the donor or acceptor splice site typically lead to a loss of protein function (PMID: 16199547), and loss-of-function variants in LOXHD1 are known to be pathogenic (PMID: 19732867, 21465660, 25792669). This variant has not been reported in the literature in individuals affected with LOXHD1-related conditions. In summary, the currently available evidence indicates that the variant is pathogenic, but additional data are needed to prove that conclusively. Therefore, this variant has been classified as Likely Pathogenic.

Literature cited by the submitters: PubMed 16199547; PubMed 19732867; PubMed 21465660; PubMed 25792669.

NC_000018.9:g.(?_44190818)_(44195164_?)del

Gene: LOXHD1 (lipoxygenase homology PLAT domains 1; minus strand). Cytogenetic location: 18q21.1.
Variant type: Deletion.
Identifiers: ClinVar variation 3242818 (VCV003242818.1).